The following is an entry in ClinVar:

ClinVar aggregate classification (germline): Uncertain significance (1 of 4 stars; one submission).

Allele frequency attached by ClinVar (database versions not stated): gnomAD 0.00001.
gnomAD v4.1: 2 of 1,612,720 alleles (0.00012%); highest among the groups gnomAD compares: East Asian, 0.0045%; no homozygotes.

Submission:

Labcorp Genetics (formerly Invitae), Labcorp
Classification: Uncertain significance. Last evaluated: 2022-06-15. Review status: criteria provided, single submitter. Criteria: Invitae Variant Classification Sherloc (09022015). Collection method: clinical testing. Allele origin: germline.
Comment: This sequence change replaces alanine, which is neutral and non-polar, with glycine, which is neutral and non-polar, at codon 190 of the COL27A1 protein (p.Ala190Gly). This variant is present in population databases (no rsID available, gnomAD 0.06%). This variant has not been reported in the literature in individuals affected with COL27A1-related conditions. Advanced modeling of protein sequence and biophysical properties (such as structural, functional, and spatial information, amino acid conservation, physicochemical variation, residue mobility, and thermodynamic stability) performed at Invitae indicates that this missense variant is not expected to disrupt COL27A1 protein function. In summary, the available evidence is currently insufficient to determine the role of this variant in disease. Therefore, it has been classified as a Variant of Uncertain Significance.

NM_032888.4(COL27A1):c.569C>G (p.Ala190Gly)

Gene: COL27A1 (collagen type XXVII alpha 1 chain; plus strand). Cytogenetic location: 9q32.
Variant type: single nucleotide variant.
Coding change: c.569C>G on transcript NM_032888.4 (MANE Select); coding-DNA position 569, C replaced by G.
Protein change: p.Ala190Gly; replaces alanine 190 with glycine.
Molecular consequence: missense variant.
Genome position (GRCh38, 1-based): chr9:114,168,124, C>G. VCF-style: chr9-114168124-C-G. GRCh37 (hg19) VCF-style: chr9-116930404-C-G.
Other names: short protein forms A190G.
Identifiers: ClinVar variation 1965249 (VCV001965249.2), dbSNP rs1324158517, ClinGen allele CA374590516.